The following is an entry in ClinVar:

NM_003873.7(NRP1):c.732C>T (p.Ser244=)

Gene: NRP1 (neuropilin 1; minus strand). Cytogenetic location: 10p11.22.
Variant type: single nucleotide variant.
Coding change: c.732C>T on transcript NM_003873.7 (MANE Select); coding-DNA position 732, C replaced by T.
Protein change: p.Ser244=; no amino-acid change (serine 244 retained).
Molecular consequence: synonymous variant. On other transcripts: non-coding transcript variant (1).
Genome position (GRCh38, 1-based): chr10:33,256,398, G>A on the plus strand (C>T on the coding strand, the complement: NRP1 is on the minus strand). VCF-style: chr10-33256398-G-A. GRCh37 (hg19) VCF-style: chr10-33545326-G-A.
Other names: c.732C>T, p.Ser244= (NM_001024628.3, NM_001024629.3, NM_001244972.2 and 2 more transcripts).
Identifiers: ClinVar variation 5000290 (VCV005000290.1).
Genomic context (GRCh38, chr10:33,256,398, plus strand): 5'-GACACTGTAGTTTGCTGAGAAACCTTCTTTTGCTATCGCGCTGTCGGTGTAAAAAACCAT[G>A]GAGAGAATGCCCGATGAGGATCGGATTCGACCTGGTGTTTTCTGTCCACAGTAACGCCCA-3'
Protein context (NP_003864.5, residues 234-254): GRIRSSSGIL[Ser244=]MVFYTDSAIA

ClinVar aggregate classification (germline): Likely benign (1 of 4 stars; one submission).

Conditions:
NRP1-related disorder. Also called: NRP1-related condition.

gnomAD v4.1: 1 of 1,614,164 alleles (0.000062%); highest among the groups gnomAD compares: Admixed American, 0.0017%; no homozygotes.

Submission:

PreventionGenetics, part of Exact Sciences
Classification: Likely benign for NRP1-related condition. Last evaluated: 2025-05-23. Review status: criteria provided, single submitter. Criteria: ACMG Guidelines, 2015. Collection method: clinical testing. Allele origin: germline.
Comment: This variant is classified as likely benign based on ACMG/AMP sequence variant interpretation guidelines (Richards et al. 2015 PMID: 25741868, with internal and published modifications).